The following is an entry in ClinVar:

ClinVar aggregate classification (germline): Uncertain significance. Review status: criteria provided, multiple submitters, no conflicts (2 of 4 stars). 9 submissions from 9 submitters: Uncertain significance (8). 1 of the submissions does not count toward it. Last evaluated 2025-02-13.

Conditions:
Inborn genetic diseases. Identifiers: MedGen C0950123, MeSH D030342.
SLC12A6-related disorder. Also called: SLC12A6-related condition.
Agenesis of the corpus callosum with peripheral neuropathy (ACCPN). Also called: HMSN/ACC; CHARLEVOIX DISEASE; Hereditary Motor and Sensory Neuropathy with Agenesis of the Corpus Callosum; POLYNEUROPATHY, SENSORIMOTOR, WITH OR WITHOUT AGENESIS OF THE CORPUS CALLOSUM. Identifiers: Orphanet 1496, MedGen C0795950, MONDO:0000902, OMIM 218000. Disease mechanism: loss of function.

Allele frequency attached by ClinVar (database versions not stated): ExAC 0.00003; TOPMed 0.00003; gnomAD exomes 0.00004; gnomAD 0.00006; ESP Exome Variant Server 0.00008.
gnomAD v4.1: 94 of 1,572,348 alleles (0.006%); highest among the groups gnomAD compares: Middle Eastern, 0.017%; no homozygotes.

Submissions (9):

Ambry Genetics
Classification: Uncertain significance for Inborn genetic diseases. Last evaluated: 2025-02-13. Review status: criteria provided, single submitter. Criteria: Ambry Variant Classification Scheme 2023. Collection method: clinical testing. Allele origin: germline.
Comment: The p.R113Q variant (also known as c.338G>A), located in coding exon 3 of the SLC12A6 gene, results from a G to A substitution at nucleotide position 338. The arginine at codon 113 is replaced by glutamine, an amino acid with highly similar properties. This amino acid position is conserved. In addition, this alteration is predicted to be tolerated by in silico analysis. Based on the available evidence, the clinical significance of this variant remains unclear.

Labcorp Genetics (formerly Invitae), Labcorp
Classification: Uncertain significance. Last evaluated: 2025-01-08. Review status: criteria provided, single submitter. Criteria: Invitae Variant Classification Sherloc (09022015). Collection method: clinical testing. Allele origin: germline.
Comment: This sequence change replaces arginine, which is basic and polar, with glutamine, which is neutral and polar, at codon 113 of the SLC12A6 protein (p.Arg113Gln). This variant is present in population databases (rs371696267, gnomAD 0.01%). This variant has not been reported in the literature in individuals affected with SLC12A6-related conditions. ClinVar contains an entry for this variant (Variation ID: 246541). Invitae Evidence Modeling of protein sequence and biophysical properties (such as structural, functional, and spatial information, amino acid conservation, physicochemical variation, residue mobility, and thermodynamic stability) indicates that this missense variant is not expected to disrupt SLC12A6 protein function with a negative predictive value of 80%. In summary, the available evidence is currently insufficient to determine the role of this variant in disease. Therefore, it has been classified as a Variant of Uncertain Significance.

GeneDx
Classification: Uncertain significance. Last evaluated: 2024-02-06. Review status: criteria provided, single submitter. Criteria: GeneDx Variant Classification Process June 2021. Collection method: clinical testing. Allele origin: germline. Affected: yes.
Comment: In silico analysis supports that this missense variant has a deleterious effect on protein structure/function; Has not been previously published as pathogenic or benign to our knowledge

PreventionGenetics, part of Exact Sciences
Classification: Uncertain significance for SLC12A6-related condition. Last evaluated: 2023-07-13. Review status: criteria provided, single submitter. Criteria: ACMG Guidelines, 2015. Collection method: clinical testing. Allele origin: germline.
Comment: The SLC12A6 c.338G>A variant is predicted to result in the amino acid substitution p.Arg113Gln. To our knowledge, this variant has not been reported in the literature. This variant is reported in 0.010% of alleles in individuals of European (Non-Finnish) descent in gnomAD. Although we suspect that this variant may be benign, at this time, the clinical significance of this variant is uncertain due to the absence of conclusive functional and genetic evidence.

Mayo Clinic Laboratories, Mayo Clinic
Classification: Uncertain significance. Last evaluated: 2023-05-04. Review status: criteria provided, single submitter. Criteria: ACMG Guidelines, 2015. Collection method: clinical testing. Allele origin: germline. Observed: 4 variant alleles.
Comment: BP4

Fulgent Genetics
Classification: Uncertain significance for Agenesis of the corpus callosum with peripheral neuropathy. Last evaluated: 2022-01-17. Review status: criteria provided, single submitter. Criteria: ACMG Guidelines, 2015. Collection method: clinical testing. Allele origin: unknown.

Genome-Nilou Lab
Classification: Uncertain significance for Agenesis of the corpus callosum with peripheral neuropathy. Last evaluated: 2021-07-15. Review status: criteria provided, single submitter. Criteria: ACMG Guidelines, 2015. Collection method: clinical testing. Allele origin: germline. Affected: no.

ARUP Laboratories, Molecular Genetics and Genomics, ARUP Laboratories
Classification: Uncertain significance. Last evaluated: 2018-05-08. Review status: criteria provided, single submitter. Criteria: ARUP Molecular Germline Variant Investigation Process. Collection method: clinical testing. Allele origin: germline.
Comment: The p.Arg113Gln variant (rs371696267) has not been reported in the medical literature, nor has it been previously identified in our laboratory; however, it is listed in the ClinVar database as a variant of uncertain significance (Variation ID: 246541). It is listed in the NHLBI GO Exome Sequencing Project (ESP) with an overall allele frequency of 0.008% (identified in 1 out of 12,996 chromosomes), and in the Genome Aggregation Database (gnomAD) with an overall frequency of 0.005% (identified in 15 out of 276,760 chromosomes). The arginine at codon 113 is only moderately conserved considering 14 species (Alamut v2.11), and computational analyses suggest this variant does not have a significant effect on SLC12A6 protein structure/function (SIFT: tolerated, PolyPhen2: benign, and Mutation Taster: polymorphism). However, based on the available information, the clinical significance of the p.Arg113Gln variant cannot be determined with certainty.

Natera, Inc.
Classification: Uncertain significance for Andermann syndrome. Last evaluated: 2020-09-16. Review status: no assertion criteria provided. Collection method: clinical testing. Allele origin: germline. Not counted in ClinVar's aggregate classification.

NM_001365088.1(SLC12A6):c.338G>A (p.Arg113Gln)

Gene: SLC12A6 (solute carrier family 12 member 6; minus strand). Cytogenetic location: 15q14.
Variant type: single nucleotide variant.
Coding change: c.338G>A on transcript NM_001365088.1 (MANE Select); coding-DNA position 338, G replaced by A.
Protein change: p.Arg113Gln; replaces arginine 113 with glutamine.
Molecular consequence: missense variant.
Genome position (GRCh38, 1-based): chr15:34,260,999, C>T on the plus strand (G>A on the coding strand, the complement: SLC12A6 is on the minus strand). VCF-style: chr15-34260999-C-T. GRCh37 (hg19) VCF-style: chr15-34553200-C-T.
Other names: c.161G>A, p.Arg54Gln (NM_001042494.2, NM_001042495.2); c.311G>A, p.Arg104Gln (NM_001042496.2); c.293G>A, p.Arg98Gln (NM_001042497.2); c.185G>A, p.Arg62Gln (NM_005135.2); c.338G>A, p.Arg113Gln (NM_133647.2); short protein forms R113Q, R62Q, R54Q, R98Q, R104Q.
Identifiers: ClinVar variation 246541 (VCV000246541.24), dbSNP rs371696267, ClinGen allele CA7464589.
Genomic context (GRCh38, chr15:34,260,999, plus strand): 5'-AAATTTTTATCAAAATATTCATCTCCTTCTTCATAATTGGAATTATTGAGATAAGCATTT[C>T]GAGCTTTCTTATGTCCGTCGTCTGGAAAAAAAAAAGTAGACCAAGTTAGTTTCTCACTGG-3'
Protein context (NP_001352017.1, residues 103-123): QLLDDGHKKA[Arg113Gln]NAYLNNSNYE